The following is an entry in ClinVar:

ClinVar aggregate classification (germline): Uncertain significance (1 of 4 stars; one submission).

Conditions:
Hereditary cancer-predisposing syndrome. Also called: Tumor predisposition; Hereditary neoplastic syndrome; Hereditary Cancer Syndrome; Neoplastic Syndromes, Hereditary. Identifiers: Orphanet 140162, MedGen C0027672, MeSH D009386, MONDO:0015356.

gnomAD v4.1: 2 of 1,607,212 alleles (0.00012%); highest among the groups gnomAD compares: South Asian, 0.0022%; no homozygotes.

Submission:

Color Diagnostics, LLC DBA Color Health
Classification: Uncertain significance for Hereditary cancer-predisposing syndrome. Last evaluated: 2021-01-26. Review status: criteria provided, single submitter. Criteria: ACMG Guidelines, 2015. Collection method: clinical testing. Allele origin: germline.
Comment: This missense variant replaces alanine with serine at codon 160 of the APC protein. Computational prediction suggests that this variant may not impact protein structure and function (internally defined REVEL score threshold <= 0.5, PMID: 27666373). To our knowledge, functional studies have not been reported for this variant. This variant has not been reported in individuals affected with hereditary cancer in the literature. This variant has not been identified in the general population by the Genome Aggregation Database (gnomAD). The available evidence is insufficient to determine the role of this variant in disease conclusively. Therefore, this variant is classified as a Variant of Uncertain Significance.

NM_000038.6(APC):c.478G>T (p.Ala160Ser)

Gene: APC (APC regulator of Wnt signaling pathway; plus strand). Cytogenetic location: 5q22.2.
Variant type: single nucleotide variant.
Coding change: c.478G>T on transcript NM_000038.6 (MANE Select); coding-DNA position 478, G replaced by T.
Protein change: p.Ala160Ser; replaces alanine 160 with serine.
Molecular consequence: missense variant. On other transcripts: 5 prime UTR variant (1).
Genome position (GRCh38, 1-based): chr5:112,775,684, G>T. VCF-style: chr5-112775684-G-T. GRCh37 (hg19) VCF-style: chr5-112111381-G-T.
Other names: c.478G>T, p.Ala160Ser (NM_001127510.3, NM_001354895.2, NM_001354896.2 and 2 more transcripts); c.508G>T, p.Ala170Ser (NM_001127511.3, NM_001354897.2, NM_001354902.2); c.403G>T, p.Ala135Ser (NM_001354898.2, NM_001354904.2); c.301G>T, p.Ala101Ser (NM_001354900.2, NM_001354901.2, NM_001354905.2); c.-558G>T (NM_001354906.2); short protein forms A101S, A135S, A160S, A170S.
Identifiers: ClinVar variation 1172191 (VCV001172191.2), dbSNP rs1114167556, ClinGen allele CA16022370.
Genomic context (GRCh38, chr5:112,775,684, plus strand): 5'-AATAGGTCATTGCTTCTTGCTGATCTTGACAAAGAAGAAAAGGAAAAAGACTGGTATTAC[G>T]CTCAACTTCAGAATCTCACTAAAAGAATAGATAGTCTTCCTTTAACTGAAAATGTAAGTA-3'
Protein context (NP_000029.2, residues 150-170): KEEKEKDWYY[Ala160Ser]QLQNLTKRID